The following is an entry in ClinVar:

NM_024740.2(ALG9):c.1604T>G (p.Ile535Ser)

Gene: ALG9 (ALG9 alpha-1,2-mannosyltransferase; minus strand). Cytogenetic location: 11q23.1.
Variant type: single nucleotide variant.
Coding change: c.1604T>G on transcript NM_024740.2 (MANE Select); coding-DNA position 1604, T replaced by G.
Protein change: p.Ile535Ser; replaces isoleucine 535 with serine.
Molecular consequence: missense variant. On other transcripts: non-coding transcript variant (1).
Genome position (GRCh38, 1-based): chr11:111,809,772, A>C on the plus strand (T>G on the coding strand, the complement: ALG9 is on the minus strand). VCF-style: chr11-111809772-A-C. GRCh37 (hg19) VCF-style: chr11-111680496-A-C.
Other names: c.1583T>G, p.Ile528Ser (NM_001077690.1, NM_001352417.1); c.1091T>G, p.Ile364Ser (NM_001077691.2, NM_001352413.1, NM_001352414.2 and 1 more transcripts); c.1070T>G, p.Ile357Ser (NM_001077692.2, NM_001352409.1, NM_001352410.1 and 6 more transcripts); c.1460T>G, p.Ile487Ser (NM_001352418.1); c.995T>G, p.Ile332Ser (NM_001352422.2); c.947T>G, p.Ile316Ser (NM_001352423.2); short protein forms I535S, I316S, I364S, I487S, I528S, I332S, I357S.
Identifiers: ClinVar variation 235406 (VCV000235406.13), dbSNP rs12575909, ClinGen allele CA6274369.

ClinVar aggregate classification (germline): Benign/Likely benign. Review status: criteria provided, multiple submitters, no conflicts (2 of 4 stars). 3 submissions from 3 submitters: Benign (2); Likely benign (1). Last evaluated 2026-01-07.

Conditions:
ALG9 congenital disorder of glycosylation (CDG1L). Also called: CDG Il; ALG9-CDG; CONGENITAL DISORDER OF GLYCOSYLATION, TYPE Il. Identifiers: Orphanet 79328, MedGen C2931006, MONDO:0012117, OMIM 608776.

Allele frequency attached by ClinVar (database versions not stated): TOPMed 0.00308; 1000 Genomes Project 0.00599; 1000 Genomes Project 30x 0.00640.
gnomAD v4.1: 1,835 of 1,613,924 alleles (0.11%); highest among the groups gnomAD compares: East Asian, 3.8%; 41 homozygotes.

Submissions (3):

Labcorp Genetics (formerly Invitae), Labcorp
Classification: Benign for ALG9 congenital disorder of glycosylation. Last evaluated: 2026-01-07. Review status: criteria provided, single submitter. Criteria: Invitae Variant Classification Sherloc (09022015). Collection method: clinical testing. Allele origin: germline.

GeneDx
Classification: Benign. Last evaluated: 2016-05-24. Review status: criteria provided, single submitter. Criteria: GeneDx Variant Classification (06012015). Collection method: clinical testing. Allele origin: germline. Affected: yes.
Comment: This variant is considered likely benign or benign based on one or more of the following criteria: it is a conservative change, it occurs at a poorly conserved position in the protein, it is predicted to be benign by multiple in silico algorithms, and/or has population frequency not consistent with disease.

Center for Pediatric Genomic Medicine, Children's Mercy Hospital and Clinics
Classification: Likely benign. Last evaluated: 2015-06-02. Review status: criteria provided, single submitter. Criteria: ACMG Guidelines, 2015. Collection method: clinical testing. Allele origin: germline.
ClinVar note: Converted during submission from Likely Benign to Likely benign.